The following is an entry in ClinVar:

ClinVar aggregate classification (germline): Uncertain significance. Review status: criteria provided, multiple submitters, no conflicts (2 of 4 stars). 4 submissions from 4 submitters: Uncertain significance (3). 1 of the submissions does not count toward it. Last evaluated 2024-06-13.

Conditions:
Inborn genetic diseases. Identifiers: MedGen C0950123, MeSH D030342.
BBS9-related disorder. Also called: BBS9-related condition.
Bardet-Biedl syndrome (BBS). Identifiers: Orphanet 110, MedGen C0752166, MONDO:0015229.
Bardet-Biedl syndrome 9 (BBS9). Identifiers: Orphanet 110, MedGen C1859567, MONDO:0014437, OMIM 615986.

Allele frequency attached by ClinVar (database versions not stated): gnomAD 0.00003; TOPMed 0.00006.

Submissions (4):

Fulgent Genetics
Classification: Uncertain significance for Bardet-Biedl syndrome 9. Last evaluated: 2024-06-13. Review status: criteria provided, single submitter. Criteria: ACMG Guidelines, 2015. Collection method: clinical testing. Allele origin: germline.

Ambry Genetics
Classification: Uncertain significance for Inborn genetic diseases. Last evaluated: 2024-03-01. Review status: criteria provided, single submitter. Criteria: Ambry Variant Classification Scheme 2023. Collection method: clinical testing. Allele origin: germline.

Labcorp Genetics (formerly Invitae), Labcorp
Classification: Uncertain significance for Bardet-Biedl syndrome. Last evaluated: 2022-06-27. Review status: criteria provided, single submitter. Criteria: Invitae Variant Classification Sherloc (09022015). Collection method: clinical testing. Allele origin: germline.
Comment: This sequence change replaces serine, which is neutral and polar, with cysteine, which is neutral and slightly polar, at codon 494 of the BBS9 protein (p.Ser494Cys). This variant is present in population databases (no rsID available, gnomAD no frequency). This variant has not been reported in the literature in individuals affected with BBS9-related conditions. ClinVar contains an entry for this variant (Variation ID: 943746). Algorithms developed to predict the effect of missense changes on protein structure and function (SIFT, PolyPhen-2, Align-GVGD) all suggest that this variant is likely to be disruptive. In summary, the available evidence is currently insufficient to determine the role of this variant in disease. Therefore, it has been classified as a Variant of Uncertain Significance.

PreventionGenetics, part of Exact Sciences
Classification: Uncertain significance for BBS9-related condition. Last evaluated: 2023-11-10. Review status: no assertion criteria provided. Collection method: clinical testing. Allele origin: germline. Not counted in ClinVar's aggregate classification.
Comment: The BBS9 c.1480A>T variant is predicted to result in the amino acid substitution p.Ser494Cys. To our knowledge, this variant has not been reported in the literature. This variant is reported in 0.00163% of alleles in individuals of other descent in gnomAD. At this time, the clinical significance of this variant is uncertain due to the absence of conclusive functional and genetic evidence.

NM_198428.3(BBS9):c.1480A>T (p.Ser494Cys)

Gene: BBS9 (Bardet-Biedl syndrome 9; plus strand). Cytogenetic location: 7p14.3.
Variant type: single nucleotide variant.
Coding change: c.1480A>T on transcript NM_198428.3 (MANE Select); coding-DNA position 1480, A replaced by T.
Protein change: p.Ser494Cys; replaces serine 494 with cysteine.
Molecular consequence: missense variant. On other transcripts: non-coding transcript variant (3), intron variant (5).
Genome position (GRCh38, 1-based): chr7:33,351,266, A>T. VCF-style: chr7-33351266-A-T. GRCh37 (hg19) VCF-style: chr7-33390878-A-T.
Other names: c.1480A>T, p.Ser494Cys (NM_001033605.2, NM_001348036.1, NM_001348041.4 and 2 more transcripts); c.1114A>T, p.Ser372Cys (NM_001348037.3, NM_001348045.3, NM_001348046.3); c.1207A>T, p.Ser403Cys (NM_001348038.3); c.1345A>T, p.Ser449Cys (NM_001348042.3); c.1160-1593A>T (NM_001348039.3); c.1433-1593A>T (NM_001033604.2); c.1432+2096A>T (NM_014451.4, NM_001348040.3); c.1067-1593A>T (NM_001348044.3); short protein forms S403C, S494C, S372C, S449C.
Identifiers: ClinVar variation 943746 (VCV000943746.7), dbSNP rs765846163, ClinGen allele CA367256040.
Genomic context (GRCh38, chr7:33,351,266, plus strand): 5'-ACATTGCTTATAGCACCAGATTTGACTAGAACAGTAAGCTTTTCTGTTTATCTGAAAAGA[A>T]GTTATACACCATCAGAATTGGAAGGAAATGCTGTTGTTTCTTATTCCAGACCAACAGGTA-3'
Protein context (NP_940820.1, residues 484-504): TVSFSVYLKR[Ser494Cys]YTPSELEGNA